The following is an entry in ClinVar:

ClinVar aggregate classification (germline): Uncertain significance (1 of 4 stars; one submission).

Conditions:
Pityriasis rubra pilaris (PRP). Also called: Pityriasis rubra pilaris--familial type. Identifiers: Orphanet 2897, MedGen C0032027, MONDO:0100017, OMIM 173200, MONDO:0008251.
Psoriasis 2. Identifiers: MedGen C1864497, MONDO:0011269, OMIM 602723.

Allele frequency attached by ClinVar (database versions not stated): gnomAD exomes below 0.00001.
gnomAD v4.1: 1 of 1,613,778 alleles (0.000062%); highest among the groups gnomAD compares: Admixed American, 0.0017%; no homozygotes.

Submission:

Labcorp Genetics (formerly Invitae), Labcorp
Classification: Uncertain significance for Pityriasis rubra pilaris; Psoriasis 2. Last evaluated: 2025-08-21. Review status: criteria provided, single submitter. Criteria: Invitae Variant Classification Sherloc (09022015). Collection method: clinical testing. Allele origin: germline.
Comment: This sequence change replaces glutamic acid, which is acidic and polar, with glycine, which is neutral and non-polar, at codon 669 of the CARD14 protein (p.Glu669Gly). This variant is not present in population databases (gnomAD no frequency). This variant has not been reported in the literature in individuals affected with CARD14-related conditions. ClinVar contains an entry for this variant (Variation ID: 1938453). Invitae Evidence Modeling of protein sequence and biophysical properties (such as structural, functional, and spatial information, amino acid conservation, physicochemical variation, residue mobility, and thermodynamic stability) has been performed for this missense variant. However, the output from this modeling did not meet the statistical confidence thresholds required to predict the impact of this variant on CARD14 protein function. In summary, the available evidence is currently insufficient to determine the role of this variant in disease. Therefore, it has been classified as a Variant of Uncertain Significance.

NM_001366385.1(CARD14):c.2006A>G (p.Glu669Gly)

Genes: SGSH (N-sulfoglucosamine sulfohydrolase; minus strand), CARD14 (caspase recruitment domain family member 14; plus strand). Cytogenetic location: 17q25.3.
Variant type: single nucleotide variant.
Coding change: c.2006A>G on transcript NM_001366385.1 (MANE Select); coding-DNA position 2006, A replaced by G.
Protein change: p.Glu669Gly; replaces glutamic acid 669 with glycine.
Molecular consequence: missense variant. On other transcripts: non-coding transcript variant (1).
Genome position (GRCh38, 1-based): chr17:80,202,207, A>G. VCF-style: chr17-80202207-A-G. GRCh37 (hg19) VCF-style: chr17-78176006-A-G.
Other names: c.2006A>G, p.Glu669Gly (NM_001257970.1, NM_024110.4); short protein forms E669G.
Identifiers: ClinVar variation 1938453 (VCV001938453.5), dbSNP rs2510722003, ClinGen allele CA401353283.
Genomic context (GRCh38, chr17:80,202,207, plus strand): 5'-GGCTCATCTGTGGCTCATGTCCCCTTTTATCAGGTTATAAGAGGCTACTCCAGGACCTGG[A>G]GGCCAAAGTGGCGACCTCGGGGGACTCATTCTACATCCGGGTCAACCTGGCCATGGAGGG-3'
Protein context (NP_001353314.1, residues 659-679): DGYKRLLQDL[Glu669Gly]AKVATSGDSF